The following is an entry in ClinVar:

ClinVar aggregate classification (germline): Likely pathogenic (1 of 4 stars; one submission).

Conditions:
Dilated cardiomyopathy 1G (CMD1G). Identifiers: Orphanet 154, MedGen C1858763, MONDO:0011400, OMIM 604145.
Autosomal recessive limb-girdle muscular dystrophy type 2J (LGMDR10). Also called: Limb-girdle muscular dystrophy, type 2J; MUSCULAR DYSTROPHY, LIMB-GIRDLE, AUTOSOMAL RECESSIVE 10. Identifiers: Orphanet 140922, MedGen C1837342, MONDO:0012127, OMIM 608807.

Submission:

Labcorp Genetics (formerly Invitae), Labcorp
Classification: Likely pathogenic for Dilated cardiomyopathy 1G; Autosomal recessive limb-girdle muscular dystrophy type 2J. Last evaluated: 2024-10-15. Review status: criteria provided, single submitter. Criteria: Invitae Variant Classification Sherloc (09022015). Collection method: clinical testing. Allele origin: germline.
Comment: This sequence change creates a premature translational stop signal (p.Trp15880*) in the TTN gene. While this is not anticipated to result in nonsense mediated decay, it is expected to create a truncated TTN protein. This variant is not present in population databases (gnomAD no frequency). This variant has not been reported in the literature in individuals affected with TTN-related conditions. This variant is located in the A band of TTN (PMID: 25589632). Truncating variants in this region are significantly overrepresented in patients affected with dilated cardiomyopathy (PMID: 25589632). Truncating variants in this region have also been reported in individuals affected with autosomal recessive centronuclear myopathy (PMID: 23975875). In summary, the currently available evidence indicates that the variant is pathogenic, but additional data are needed to prove that conclusively. Therefore, this variant has been classified as Likely Pathogenic.

Literature cited by the submitters: PubMed 25589632; PubMed 23975875.

NM_001267550.2(TTN):c.47639G>A (p.Trp15880Ter)

Genes: TTN-AS1 (TTN antisense RNA 1; plus strand), TTN (titin; minus strand). Cytogenetic location: 2q31.2.
Variant type: single nucleotide variant.
Coding change: c.47639G>A on transcript NM_001267550.2 (MANE Select); coding-DNA position 47639, G replaced by A.
Protein change: p.Trp15880Ter; replaces tryptophan 15880 with a stop codon.
Molecular consequence: nonsense.
Genome position (GRCh38, 1-based): chr2:178,617,446, C>T on the plus strand (G>A on the coding strand, the complement: TTN is on the minus strand). VCF-style: chr2-178617446-C-T. GRCh37 (hg19) VCF-style: chr2-179482173-C-T.
Other names: c.42716G>A, p.Trp14239Ter (NM_001256850.1); c.20444G>A, p.Trp6815Ter (NM_003319.4); c.39935G>A, p.Trp13312Ter (NM_133378.4); c.20819G>A, p.Trp6940Ter (NM_133432.3); c.21020G>A, p.Trp7007Ter (NM_133437.4); short protein forms W14239*, W6940*, W15880*, W6815*, W13312*, W7007*.
Identifiers: ClinVar variation 2946519 (VCV002946519.3), dbSNP rs2470851448, ClinGen allele CA349614030.